The following is an entry in ClinVar:

ClinVar aggregate classification (germline): Uncertain significance (1 of 4 stars; one submission).

Conditions:
Familial thoracic aortic aneurysm and aortic dissection (TAAD). Also called: Thoracic aortic aneurysms and dissections. Identifiers: Orphanet 91387, MedGen C4707243, MONDO:0019625.

Allele frequency attached by ClinVar (database versions not stated): TOPMed below 0.00001; ExAC 0.00001; gnomAD 0.00001; gnomAD exomes 0.00001.
gnomAD v4.1: 12 of 1,614,058 alleles (0.00074%); highest among the groups gnomAD compares: African/African-American, 0.0013%; no homozygotes.

Submission:

Ambry Genetics
Classification: Uncertain significance for Familial thoracic aortic aneurysm and aortic dissection. Last evaluated: 2021-11-24. Review status: criteria provided, single submitter. Criteria: Ambry Variant Classification Scheme 2023. Collection method: clinical testing. Allele origin: germline.
Comment: The p.A1801V variant (also known as c.5402C>T), located in coding exon 30 of the MYLK gene, results from a C to T substitution at nucleotide position 5402. The alanine at codon 1801 is replaced by valine, an amino acid with similar properties. This amino acid position is conserved. In addition, this alteration is predicted to be tolerated by in silico analysis. Since supporting evidence is limited at this time, the clinical significance of this alteration remains unclear.

NM_053025.4(MYLK):c.5402C>T (p.Ala1801Val)

Genes: MYLK (myosin light chain kinase; minus strand), MYLK-AS1 (MYLK antisense RNA 1; plus strand). Cytogenetic location: 3q21.1.
Variant type: single nucleotide variant.
Coding change: c.5402C>T on transcript NM_053025.4 (MANE Select); coding-DNA position 5402, C replaced by T.
Protein change: p.Ala1801Val; replaces alanine 1801 with valine.
Molecular consequence: missense variant.
Genome position (GRCh38, 1-based): chr3:123,618,737, G>A on the plus strand (C>T on the coding strand, the complement: MYLK is on the minus strand). VCF-style: chr3-123618737-G-A. GRCh37 (hg19) VCF-style: chr3-123337584-G-A.
Other names: c.4874C>T, p.Ala1625Val (NM_001321309.2); c.5195C>T, p.Ala1732Val (NM_053026.4); c.5249C>T, p.Ala1750Val (NM_053027.4); c.5042C>T, p.Ala1681Val (NM_053028.4); c.119C>T, p.Ala40Val (NM_053031.4); c.122C>T, p.Ala41Val (NM_053032.4); short protein forms A1681V, A1801V, A40V, A1750V, A41V, A1625V, A1732V.
Identifiers: ClinVar variation 1747318 (VCV001747318.2), dbSNP rs758144812, ClinGen allele CA072917.
Genomic context (GRCh38, chr3:123,618,737, plus strand): 5'-ACAACTTCTAAATCGCGAATGGTCTTAGAGAAATAGGGTTTTACATGAGGCTTTTCCTCA[G>A]CAACAGCCTCAAGGAAAGCTTGGGACACATCTTCTAGAAGACAGAGAAGAAGACCAGGTC-3'
Protein context (NP_444253.3, residues 1791-1811): DVSQAFLEAV[Ala1801Val]EEKPHVKPYF